The following is an entry in ClinVar:

NM_007129.5(ZIC2):c.1330A>G (p.Ser444Gly)

Gene: ZIC2 (Zic family zinc finger 2; plus strand). Cytogenetic location: 13q32.3.
Variant type: single nucleotide variant.
Coding change: c.1330A>G on transcript NM_007129.5 (MANE Select); coding-DNA position 1330, A replaced by G.
Protein change: p.Ser444Gly; replaces serine 444 with glycine.
Molecular consequence: missense variant.
Genome position (GRCh38, 1-based): chr13:99,985,413, A>G. VCF-style: chr13-99985413-A-G. GRCh37 (hg19) VCF-style: chr13-100637667-A-G.
Other names: short protein forms S444G.
Identifiers: ClinVar variation 1467316 (VCV001467316.8), dbSNP rs1402415693, ClinGen allele CA388639346.

ClinVar aggregate classification (germline): Uncertain significance (1 of 4 stars; one submission).

Conditions:
Holoprosencephaly 5 (HPE5). Identifiers: Orphanet 2162, MedGen C1864827, MONDO:0012322, OMIM 609637.

Allele frequency attached by ClinVar (database versions not stated): gnomAD exomes below 0.00001.

Submission:

Labcorp Genetics (formerly Invitae), Labcorp
Classification: Uncertain significance for Holoprosencephaly 5. Last evaluated: 2022-02-03. Review status: criteria provided, single submitter. Criteria: Invitae Variant Classification Sherloc (09022015). Collection method: clinical testing. Allele origin: germline.
Comment: In summary, the available evidence is currently insufficient to determine the role of this variant in disease. Therefore, it has been classified as a Variant of Uncertain Significance. Algorithms developed to predict the effect of missense changes on protein structure and function are either unavailable or do not agree on the potential impact of this missense change (SIFT: "Deleterious"; PolyPhen-2: "Benign"; Align-GVGD: "Class C0"). This variant has not been reported in the literature in individuals affected with ZIC2-related conditions. The frequency data for this variant in the population databases is considered unreliable, as metrics indicate poor data quality at this position in the gnomAD database. This sequence change replaces serine, which is neutral and polar, with glycine, which is neutral and non-polar, at codon 444 of the ZIC2 protein (p.Ser444Gly).